The following is an entry in ClinVar:

NM_006876.3(B4GAT1):c.148C>T (p.Pro50Ser)

Gene: B4GAT1 (beta-1,4-glucuronyltransferase 1; minus strand). Cytogenetic location: 11q13.2.
Variant type: single nucleotide variant.
Coding change: c.148C>T on transcript NM_006876.3 (MANE Select); coding-DNA position 148, C replaced by T.
Protein change: p.Pro50Ser; replaces proline 50 with serine.
Molecular consequence: missense variant.
Genome position (GRCh38, 1-based): chr11:66,347,398, G>A on the plus strand (C>T on the coding strand, the complement: B4GAT1 is on the minus strand). VCF-style: chr11-66347398-G-A. GRCh37 (hg19) VCF-style: chr11-66114869-G-A.
Other names: short protein forms P50S.
Identifiers: ClinVar variation 3473702 (VCV003473702.2).

ClinVar aggregate classification (germline): Uncertain significance. Review status: criteria provided, multiple submitters, no conflicts (2 of 4 stars). 2 submissions from 2 submitters: Uncertain significance (2). Last evaluated 2025-01-23.

Conditions:
Muscular dystrophy-dystroglycanopathy (congenital with brain and eye anomalies), type A13. Also called: WALKER-WARBURG SYNDROME OR MUSCLE-EYE-BRAIN DISEASE, B3GNT1-RELATED; Muscular dystrophy-dystroglycanopathy (congenital with brain and eye anomalies), type a, 13. Identifiers: Orphanet 899, MedGen C3809042, MONDO:0014120, OMIM 615287.
Inborn genetic diseases. Identifiers: MedGen C0950123, MeSH D030342.

Submissions (2):

Labcorp Genetics (formerly Invitae), Labcorp
Classification: Uncertain significance for Muscular dystrophy-dystroglycanopathy (congenital with brain and eye anomalies), type A13. Last evaluated: 2025-01-23. Review status: criteria provided, single submitter. Criteria: Invitae Variant Classification Sherloc (09022015). Collection method: clinical testing. Allele origin: germline.
Comment: This sequence change replaces proline, which is neutral and non-polar, with serine, which is neutral and polar, at codon 50 of the B4GAT1 protein (p.Pro50Ser). The frequency data for this variant in the population databases is considered unreliable, as metrics indicate poor data quality at this position in the gnomAD database. This variant has not been reported in the literature in individuals affected with B4GAT1-related conditions. An algorithm developed to predict the effect of missense changes on protein structure and function (PolyPhen-2) suggests that this variant¬†is likely to be tolerated. In summary, the available evidence is currently insufficient to determine the role of this variant in disease. Therefore, it has been classified as a Variant of Uncertain Significance.

Ambry Genetics
Classification: Uncertain significance for Inborn genetic diseases. Last evaluated: 2024-10-04. Review status: criteria provided, single submitter. Criteria: Ambry Variant Classification Scheme 2023. Collection method: clinical testing. Allele origin: germline.